The following is an entry in ClinVar:

ClinVar aggregate classification (germline): Uncertain significance (1 of 4 stars; one submission).

Allele frequency attached by ClinVar (database versions not stated): ExAC 0.00004; TOPMed 0.00004; gnomAD 0.00005; gnomAD exomes 0.00009; ESP Exome Variant Server 0.00015.
gnomAD v4.1: 133 of 1,614,006 alleles (0.0082%); highest among the groups gnomAD compares: Non-Finnish European, 0.011%; no homozygotes.

Submission:

Labcorp Genetics (formerly Invitae), Labcorp
Classification: Uncertain significance. Last evaluated: 2025-12-13. Review status: criteria provided, single submitter. Criteria: Invitae Variant Classification Sherloc (09022015). Collection method: clinical testing. Allele origin: germline.
Comment: This sequence change replaces methionine, which is neutral and non-polar, with threonine, which is neutral and polar, at codon 59 of the LZTS1 protein (p.Met59Thr). This variant is present in population databases (rs146734158, gnomAD 0.009%). This variant has not been reported in the literature in individuals affected with LZTS1-related conditions. ClinVar contains an entry for this variant (Variation ID: 2185866). Invitae Evidence Modeling of protein sequence and biophysical properties (such as structural, functional, and spatial information, amino acid conservation, physicochemical variation, residue mobility, and thermodynamic stability) indicates that this missense variant is not expected to disrupt LZTS1 protein function with a negative predictive value of 80%. In summary, the available evidence is currently insufficient to determine the role of this variant in disease. Therefore, it has been classified as a Variant of Uncertain Significance.

NM_021020.5(LZTS1):c.176T>C (p.Met59Thr)

Gene: LZTS1 (leucine zipper tumor suppressor 1; minus strand). Cytogenetic location: 8p21.3.
Variant type: single nucleotide variant.
Coding change: c.176T>C on transcript NM_021020.5 (MANE Select); coding-DNA position 176, T replaced by C.
Protein change: p.Met59Thr; replaces methionine 59 with threonine.
Molecular consequence: missense variant.
Genome position (GRCh38, 1-based): chr8:20,255,006, A>G on the plus strand (T>C on the coding strand, the complement: LZTS1 is on the minus strand). VCF-style: chr8-20255006-A-G. GRCh37 (hg19) VCF-style: chr8-20112517-A-G.
Other names: c.176T>C, p.Met59Thr (NM_001362884.2); short protein forms M59T.
Identifiers: ClinVar variation 2185866 (VCV002185866.4), dbSNP rs146734158, ClinGen allele CA4657588.